The following is an entry in ClinVar:

ClinVar aggregate classification (germline): Uncertain significance (1 of 4 stars; one submission).

Allele frequency attached by ClinVar (database versions not stated): gnomAD 0.00001; gnomAD exomes 0.00001; TOPMed 0.00001; ExAC 0.00002.
gnomAD v4.1: 11 of 1,610,126 alleles (0.00068%); highest among the groups gnomAD compares: African/African-American, 0.0013%; no homozygotes.

Submission:

Labcorp Genetics (formerly Invitae), Labcorp
Classification: Uncertain significance. Last evaluated: 2022-01-06. Review status: criteria provided, single submitter. Criteria: Invitae Variant Classification Sherloc (09022015). Collection method: clinical testing. Allele origin: germline.
Comment: This sequence change replaces arginine, which is basic and polar, with histidine, which is basic and polar, at codon 1208 of the SBF1 protein (p.Arg1208His). This variant is present in population databases (rs772252718, gnomAD 0.003%). This variant has not been reported in the literature in individuals affected with SBF1-related conditions. Algorithms developed to predict the effect of missense changes on protein structure and function are either unavailable or do not agree on the potential impact of this missense change (SIFT: "Deleterious"; PolyPhen-2: "Probably Damaging"; Align-GVGD: "Class C0"). In summary, the available evidence is currently insufficient to determine the role of this variant in disease. Therefore, it has been classified as a Variant of Uncertain Significance.

NM_002972.4(SBF1):c.3623G>A (p.Arg1208His)

Gene: SBF1 (SET binding factor 1; minus strand). Cytogenetic location: 22q13.33.
Variant type: single nucleotide variant.
Coding change: c.3623G>A on transcript NM_002972.4 (MANE Select); coding-DNA position 3623, G replaced by A.
Protein change: p.Arg1208His; replaces arginine 1208 with histidine.
Molecular consequence: missense variant.
Genome position (GRCh38, 1-based): chr22:50,459,535, C>T on the plus strand (G>A on the coding strand, the complement: SBF1 is on the minus strand). VCF-style: chr22-50459535-C-T. GRCh37 (hg19) VCF-style: chr22-50897964-C-T.
Other names: c.3626G>A, p.Arg1209His (NM_001365819.1, NM_001410794.1); c.3623G>A, p.Arg1208His (NM_001410795.1, NM_197971.1); short protein forms R1208H, R1209H.
Identifiers: ClinVar variation 1895534 (VCV001895534.2), dbSNP rs772252718, ClinGen allele CA10316638.